The following is an entry in ClinVar:

NM_002335.4(LRP5):c.3913T>C (p.Cys1305Arg)

Gene: LRP5 (LDL receptor related protein 5; plus strand). Cytogenetic location: 11q13.2.
Variant type: single nucleotide variant.
Coding change: c.3913T>C on transcript NM_002335.4 (MANE Select); coding-DNA position 3913, T replaced by C.
Protein change: p.Cys1305Arg; replaces cysteine 1305 with arginine.
Molecular consequence: missense variant.
Genome position (GRCh38, 1-based): chr11:68,433,751, T>C. VCF-style: chr11-68433751-T-C. GRCh37 (hg19) VCF-style: chr11-68201219-T-C.
Other names: c.2170T>C, p.Cys724Arg (NM_001291902.2); short protein forms C1305R, C724R.
Identifiers: ClinVar variation 1404253 (VCV001404253.9), dbSNP rs1197169952, ClinGen allele CA381613889.

ClinVar aggregate classification (germline): Uncertain significance. Review status: criteria provided, multiple submitters, no conflicts (2 of 4 stars). 2 submissions from 2 submitters: Uncertain significance (2). Last evaluated 2025-01-18.

Conditions:
Exudative vitreoretinopathy 4 (EVR4). Identifiers: Orphanet 891, MedGen C1866176, MONDO:0011151, OMIM 601813.
Worth disease. Also called: ENDOSTEAL HYPEROSTOSIS, AUTOSOMAL DOMINANT; OSTEOSCLEROSIS, AUTOSOMAL DOMINANT; Autosomal dominant osteosclerosis, Worth type. Identifiers: Orphanet 2790, MedGen C0432273, MONDO:0007764, OMIM 144750.
Exudative vitreoretinopathy 1 (EVR1). Also called: CRISWICK-SCHEPENS SYNDROME; FEVR, AUTOSOMAL DOMINANT; Familial exudative vitreoretinopathy, autosomal dominant. Identifiers: Orphanet 891, Orphanet 90050, MedGen C1851402, MONDO:0007589, OMIM 133780.
Osteoporosis with pseudoglioma (OPPG). Also called: osteoporosis-pseudoglioma syndrome. Identifiers: Orphanet 2788, MedGen C0432252, MONDO:0009820, OMIM 259770.
Polycystic liver disease 4 with or without kidney cysts. Identifiers: MedGen C4693479, MONDO:0044327, OMIM 617875.
Autosomal dominant osteopetrosis 1 (OPTA1). Also called: OSTEOPETROSIS, AUTOSOMAL DOMINANT, TYPE I. Identifiers: Orphanet 2783, MedGen C1843330, MONDO:0011877, OMIM 607634.

Allele frequency attached by ClinVar (database versions not stated): gnomAD exomes below 0.00001; TOPMed below 0.00001.
gnomAD v4.1: 3 of 1,612,756 alleles (0.00019%); highest among the groups gnomAD compares: East Asian, 0.0022%; no homozygotes.

Submissions (2):

Labcorp Genetics (formerly Invitae), Labcorp
Classification: Uncertain significance. Last evaluated: 2025-01-18. Review status: criteria provided, single submitter. Criteria: Invitae Variant Classification Sherloc (09022015). Collection method: clinical testing. Allele origin: germline.
Comment: This sequence change replaces cysteine, which is neutral and slightly polar, with arginine, which is basic and polar, at codon 1305 of the LRP5 protein (p.Cys1305Arg). This variant is present in population databases (no rsID available, gnomAD 0.006%). This missense change has been observed in individual(s) with LRP5-related conditions (PMID: 31106028, 31237656). ClinVar contains an entry for this variant (Variation ID: 1404253). Invitae Evidence Modeling of protein sequence and biophysical properties (such as structural, functional, and spatial information, amino acid conservation, physicochemical variation, residue mobility, and thermodynamic stability) indicates that this missense variant is expected to disrupt LRP5 protein function with a positive predictive value of 80%. In summary, the available evidence is currently insufficient to determine the role of this variant in disease. Therefore, it has been classified as a Variant of Uncertain Significance.

Department of Pathology and Laboratory Medicine, Sinai Health System
Classification: Uncertain significance for Exudative vitreoretinopathy 1; Worth disease; Osteoporosis with pseudoglioma; Exudative vitreoretinopathy 4; Autosomal dominant osteopetrosis 1; Polycystic liver disease 4 with or without kidney cysts. Last evaluated: 2023-10-16. Review status: criteria provided, single submitter. Criteria: ACMG Guidelines, 2015. Collection method: research. Allele origin: germline.

Literature cited by the submitters: PubMed 31106028 (cited by Labcorp Genetics (formerly Invitae), Labcorp); PubMed 31237656 (cited by Labcorp Genetics (formerly Invitae), Labcorp).